The following is an entry in ClinVar:

NM_153610.5(CMYA5):c.11134C>T (p.Pro3712Ser)

Gene: CMYA5 (cardiomyopathy associated 5; plus strand). Cytogenetic location: 5q14.1.
Variant type: single nucleotide variant.
Coding change: c.11134C>T on transcript NM_153610.5 (MANE Select); coding-DNA position 11134, C replaced by T.
Protein change: p.Pro3712Ser; replaces proline 3712 with serine.
Molecular consequence: missense variant.
Genome position (GRCh38, 1-based): chr5:79,758,776, C>T. VCF-style: chr5-79758776-C-T. GRCh37 (hg19) VCF-style: chr5-79054599-C-T.
Other names: short protein forms P3712S.
Identifiers: ClinVar variation 425347 (VCV000425347.47), dbSNP rs61744879, ClinGen allele CA3323122.

ClinVar aggregate classification (germline): Likely benign. Review status: criteria provided, multiple submitters, no conflicts (2 of 4 stars). 2 submissions from 2 submitters: Likely benign (2). Last evaluated 2023-02-01.

Allele frequency attached by ClinVar (database versions not stated): 1000 Genomes Project 30x 0.00125; 1000 Genomes Project 0.00140; ESP Exome Variant Server 0.00192; gnomAD 0.00192 and 0.00195; gnomAD exomes 0.00208 and 0.00286; TOPMed 0.00216; ExAC 0.00286.
gnomAD v4.1: 3,439 of 1,604,910 alleles (0.21%); highest among the groups gnomAD compares: Middle Eastern, 3.3%; 22 homozygotes.

Submissions (2):

CeGaT Center for Human Genetics Tuebingen
Classification: Likely benign. Last evaluated: 2023-02-01. Review status: criteria provided, single submitter. Criteria: CeGaT Center For Human Genetics Tuebingen Variant Classification Criteria Version 2. Collection method: clinical testing. Allele origin: germline. Affected: yes. Observed: 4 variant alleles.
Comment: CMYA5: BS2

Labcorp Genetics (formerly Invitae), Labcorp
Classification: Likely benign. Last evaluated: 2019-12-31. Review status: criteria provided, single submitter. Criteria: Invitae Variant Classification Sherloc (09022015). Collection method: clinical testing. Allele origin: germline.